The following is an entry in ClinVar:

NM_002241.5(KCNJ10):c.1123C>T (p.Arg375Cys)

Gene: KCNJ10 (potassium inwardly rectifying channel subfamily J member 10; minus strand). Cytogenetic location: 1q23.2.
Variant type: single nucleotide variant.
Coding change: c.1123C>T on transcript NM_002241.5 (MANE Select); coding-DNA position 1123, C replaced by T.
Protein change: p.Arg375Cys; replaces arginine 375 with cysteine.
Molecular consequence: missense variant.
Genome position (GRCh38, 1-based): chr1:160,041,410, G>A on the plus strand (C>T on the coding strand, the complement: KCNJ10 is on the minus strand). VCF-style: chr1-160041410-G-A. GRCh37 (hg19) VCF-style: chr1-160011200-G-A.
Other names: short protein forms R375C.
Identifiers: ClinVar variation 293118 (VCV000293118.23), dbSNP rs751338154, ClinGen allele CA1193157.

ClinVar aggregate classification (germline): Uncertain significance. Review status: criteria provided, multiple submitters, no conflicts (2 of 4 stars). 8 submissions from 7 submitters: Uncertain significance (8). Last evaluated 2025-12-08.

Conditions:
Inborn genetic diseases. Identifiers: MedGen C0950123, MeSH D030342.
Autosomal recessive nonsyndromic hearing loss 4 (DFNB4). Also called: FOXI1-Related Pendred Syndrome; KCNJ10-Related Pendred Syndrome; DEAFNESS, AUTOSOMAL RECESSIVE 4, WITH ENLARGED VESTIBULAR AQUEDUCT, DIGENIC; Deafness, autosomal recessive 4, with enlarged vestibular aqueduct; Nonsyndromic enlarged vestibular aqueduct (NSEVA); NEUROSENSORY NONSYNDROMIC RECESSIVE DEAFNESS 4. Identifiers: Orphanet 90636, MedGen C3538946, MONDO:0010933, OMIM 600791.
EAST syndrome (SESAMES). Also called: SEIZURES, SENSORINEURAL DEAFNESS, ATAXIA, IMPAIRED INTELLECTUAL DEVELOPMENT, AND ELECTROLYTE IMBALANCE. Identifiers: Orphanet 199343, MedGen C2748572, MONDO:0013005, OMIM 612780.

Allele frequency attached by ClinVar (database versions not stated): ExAC 0.00004; gnomAD exomes 0.00006; gnomAD 0.00008; TOPMed 0.00010.
gnomAD v4.1: 135 of 1,612,872 alleles (0.0084%); highest among the groups gnomAD compares: Non-Finnish European, 0.01%; no homozygotes.

Submissions (8):

Labcorp Genetics (formerly Invitae), Labcorp
Classification: Uncertain significance for EAST syndrome. Last evaluated: 2025-12-08. Review status: criteria provided, single submitter. Criteria: Invitae Variant Classification Sherloc (09022015). Collection method: clinical testing. Allele origin: germline.
Comment: This sequence change replaces arginine, which is basic and polar, with cysteine, which is neutral and slightly polar, at codon 375 of the KCNJ10 protein (p.Arg375Cys). This variant is present in population databases (rs751338154, gnomAD 0.01%). This variant has not been reported in the literature in individuals affected with KCNJ10-related conditions. ClinVar contains an entry for this variant (Variation ID: 293118). Invitae Evidence Modeling of protein sequence and biophysical properties (such as structural, functional, and spatial information, amino acid conservation, physicochemical variation, residue mobility, and thermodynamic stability) has been performed for this missense variant. However, the output from this modeling did not meet the statistical confidence thresholds required to predict the impact of this variant on KCNJ10 protein function. In summary, the available evidence is currently insufficient to determine the role of this variant in disease. Therefore, it has been classified as a Variant of Uncertain Significance.

GeneDx
Classification: Uncertain significance. Last evaluated: 2024-12-20. Review status: criteria provided, single submitter. Criteria: GeneDx Variant Classification Process June 2021. Collection method: clinical testing. Allele origin: germline. Affected: yes.
Comment: Not observed at significant frequency in large population cohorts (gnomAD); In silico analysis indicates that this missense variant does not alter protein structure/function; Has not been previously published as pathogenic or benign to our knowledge

Ambry Genetics
Classification: Uncertain significance for Inborn genetic diseases. Last evaluated: 2024-08-28. Review status: criteria provided, single submitter. Criteria: Ambry Variant Classification Scheme 2023. Collection method: clinical testing. Allele origin: germline.

Blueprint Genetics
Classification: Uncertain significance. Last evaluated: 2023-08-11. Review status: criteria provided, single submitter. Criteria: ACMG Guidelines, 2015. Collection method: clinical testing. Allele origin: germline.

Eurofins Ntd Llc (ga)
Classification: Uncertain significance. Last evaluated: 2018-07-12. Review status: criteria provided, single submitter. Criteria: EGL ClinVar v180209 classification definitions. Collection method: clinical testing. Allele origin: germline. Observed: 1 variant allele, 1 heterozygote.

Athena Diagnostics
Classification: Uncertain significance. Last evaluated: 2018-03-28. Review status: criteria provided, single submitter. Criteria: Athena Diagnostics Criteria. Collection method: clinical testing. Allele origin: germline.

Illumina Laboratory Services, Illumina
Classification: Uncertain significance for EAST syndrome. Last evaluated: 2018-01-13. Review status: criteria provided, single submitter. Criteria: ICSL Variant Classification Criteria 13 December 2019. Collection method: clinical testing. Allele origin: germline.

Illumina Laboratory Services, Illumina
Classification: Uncertain significance for Autosomal recessive nonsyndromic hearing loss 4. Last evaluated: 2018-01-13. Review status: criteria provided, single submitter. Criteria: ICSL Variant Classification Criteria 13 December 2019. Collection method: clinical testing. Allele origin: germline.